The following is an entry in ClinVar:

ClinVar aggregate classification (germline): Uncertain significance (1 of 4 stars; one submission).

Conditions:
Cardiovascular phenotype. Identifiers: MedGen CN230736.

Submission:

Ambry Genetics
Classification: Uncertain significance for Cardiovascular phenotype. Last evaluated: 2021-10-06. Review status: criteria provided, single submitter. Criteria: Ambry Variant Classification Scheme 2023. Collection method: clinical testing. Allele origin: germline.
Comment: The p.W826C variant (also known as c.2478G>C), located in coding exon 15 of the DSC2 gene, results from a G to C substitution at nucleotide position 2478. The tryptophan at codon 826 is replaced by cysteine, an amino acid with highly dissimilar properties. This amino acid position is conserved. In addition, this alteration is predicted to be deleterious by in silico analysis. Since supporting evidence is limited at this time, the clinical significance of this alteration remains unclear.

NM_024422.6(DSC2):c.2478G>C (p.Trp826Cys)

Gene: DSC2 (desmocollin 2; minus strand). Cytogenetic location: 18q12.1.
Variant type: single nucleotide variant.
Coding change: c.2478G>C on transcript NM_024422.6 (MANE Select); coding-DNA position 2478, G replaced by C.
Protein change: p.Trp826Cys; replaces tryptophan 826 with cysteine.
Molecular consequence: missense variant.
Genome position (GRCh38, 1-based): chr18:31,068,924, C>G on the plus strand (G>C on the coding strand, the complement: DSC2 is on the minus strand). VCF-style: chr18-31068924-C-G. GRCh37 (hg19) VCF-style: chr18-28648890-C-G.
Other names: c.2049G>C, p.Trp683Cys (NM_001406506.1, NM_001406507.1); c.2478G>C, p.Trp826Cys (NM_004949.5); short protein forms W826C, W683C.
Identifiers: ClinVar variation 1791867 (VCV001791867.2), dbSNP rs2510937672, ClinGen allele CA402111187.